The following is an entry in ClinVar:

ClinVar aggregate classification (germline): Pathogenic/Likely pathogenic. Review status: criteria provided, multiple submitters, no conflicts (2 of 4 stars). 3 submissions from 3 submitters: Pathogenic (1); Likely pathogenic (2). Last evaluated 2025-02-16.

Conditions:
Primary ciliary dyskinesia 7. Also called: CILIARY DYSKINESIA, PRIMARY, 7, WITH OR WITHOUT SITUS INVERSUS. Identifiers: Orphanet 244, MedGen C2678473, MONDO:0012748, OMIM 611884.
Primary ciliary dyskinesia. Also called: Ciliary dyskinesia. Identifiers: Orphanet 244, MedGen C0008780, MONDO:0016575, HP:0012265.

Submissions (3):

Laboratory of Genetics, Children's Clinical University Hospital Latvia
Classification: Likely pathogenic. Last evaluated: 2025-02-16. Review status: criteria provided, single submitter. Criteria: ACMG Guidelines, 2015. Collection method: clinical testing. Allele origin: germline. Affected: yes.

Labcorp Genetics (formerly Invitae), Labcorp
Classification: Pathogenic for Primary ciliary dyskinesia. Last evaluated: 2023-03-26. Review status: criteria provided, single submitter. Criteria: Invitae Variant Classification Sherloc (09022015). Collection method: clinical testing. Allele origin: germline.
Comment: This variant has not been reported in the literature in individuals affected with DNAH11-related conditions. For these reasons, this variant has been classified as Pathogenic. ClinVar contains an entry for this variant (Variation ID: 931945). This variant is not present in population databases (gnomAD no frequency). This sequence change creates a premature translational stop signal (p.Thr1900Argfs*33) in the DNAH11 gene. It is expected to result in an absent or disrupted protein product. Loss-of-function variants in DNAH11 are known to be pathogenic (PMID: 18022865, 20513915, 22184204).

Centre for Mendelian Genomics, University Medical Centre Ljubljana
Classification: Likely pathogenic for Primary ciliary dyskinesia 7. Last evaluated: 2016-01-01. Review status: criteria provided, single submitter. Criteria: ACMG Guidelines, 2015. Collection method: clinical testing. Allele origin: unknown. Affected: yes.
Comment: This variant was classified as: Likely pathogenic. The following ACMG criteria were applied in classifying this variant: PVS1,PM2.

Literature cited by the submitters: PubMed 18022865 (cited by Labcorp Genetics (formerly Invitae), Labcorp); PubMed 20513915 (cited by Labcorp Genetics (formerly Invitae), Labcorp); PubMed 22184204 (cited by Labcorp Genetics (formerly Invitae), Labcorp).

NM_001277115.2(DNAH11):c.5699_5700del (p.Thr1900fs)

Gene: DNAH11 (dynein axonemal heavy chain 11; plus strand). Cytogenetic location: 7p15.3.
Variant type: Deletion.
Coding change: c.5699_5700del on transcript NM_001277115.2 (MANE Select); coding-DNA positions 5699 to 5700, 2 bases deleted (CA; older notation c.5699_5700delCA).
Protein change: p.Thr1900fs; shifts the reading frame from threonine 1900.
Molecular consequence: frameshift variant.
Genome position (GRCh38, 1-based): chr7:21,687,176-21,687,177, CA deleted; deleting any 2 consecutive bases within chr7:21,687,175-21,687,177 gives the same sequence; the c. name uses the placement nearest the transcript's 3' end. VCF-style (leftmost placement, unchanged base first): chr7-21687174-AAC-A. GRCh37 (hg19) VCF-style: chr7-21726792-AAC-A.
Other names: short protein forms T1900fs.
Identifiers: ClinVar variation 931945 (VCV000931945.7), dbSNP rs1783410926, ClinGen allele CA1139659990.